The following is an entry in ClinVar:

NM_001003800.2(BICD2):c.79A>G (p.Lys27Glu)

Gene: BICD2 (BICD cargo adaptor 2; minus strand). Cytogenetic location: 9q22.31.
Variant type: single nucleotide variant.
Coding change: c.79A>G on transcript NM_001003800.2 (MANE Select); coding-DNA position 79, A replaced by G.
Protein change: p.Lys27Glu; replaces lysine 27 with glutamic acid.
Molecular consequence: missense variant.
Genome position (GRCh38, 1-based): chr9:92,764,666, T>C on the plus strand (A>G on the coding strand, the complement: BICD2 is on the minus strand). VCF-style: chr9-92764666-T-C. GRCh37 (hg19) VCF-style: chr9-95526948-T-C.
Other names: c.79A>G (NM_001003800.1); c.79A>G, p.Lys27Glu (NM_015250.4); short protein forms K27E.
Identifiers: ClinVar variation 1400970 (VCV001400970.10), dbSNP rs575275088, ClinGen allele CA5126884.

ClinVar aggregate classification (germline): Conflicting classifications of pathogenicity. Review status: criteria provided, conflicting classifications (1 of 4 stars). 2 submissions from 2 submitters: Uncertain significance (1); Likely benign (1). Last evaluated 2024-06-24.

Conditions:
Inborn genetic diseases. Identifiers: MedGen C0950123, MeSH D030342.
Autosomal dominant childhood-onset proximal spinal muscular atrophy with contractures (SMALED2A). Also called: SPINAL MUSCULAR ATROPHY, LOWER EXTREMITY-PREDOMINANT, 2A, CHILDHOOD ONSET, AUTOSOMAL DOMINANT; Spinal muscular atrophy, lower extremity-predominant, 2A, autosomal dominant. Identifiers: Orphanet 363447, Orphanet 363454, MedGen C4747715, MONDO:0014121, OMIM 615290.

Allele frequency attached by ClinVar (database versions not stated): gnomAD 0.00001; gnomAD exomes 0.00002 and 0.00005; ExAC 0.00007; 1000 Genomes Project 30x 0.00016; 1000 Genomes Project 0.00020.
gnomAD v4.1: 36 of 1,591,004 alleles (0.0023%); highest among the groups gnomAD compares: South Asian, 0.038%; no homozygotes.

Submissions (2):

Labcorp Genetics (formerly Invitae), Labcorp
Classification: Uncertain significance for Autosomal dominant childhood-onset proximal spinal muscular atrophy with contractures. Last evaluated: 2024-06-24. Review status: criteria provided, single submitter. Criteria: Invitae Variant Classification Sherloc (09022015). Collection method: clinical testing. Allele origin: germline.
Comment: This sequence change replaces lysine, which is basic and polar, with glutamic acid, which is acidic and polar, at codon 27 of the BICD2 protein (p.Lys27Glu). This variant is present in population databases (rs575275088, gnomAD 0.03%). This variant has not been reported in the literature in individuals affected with BICD2-related conditions. ClinVar contains an entry for this variant (Variation ID: 1400970). Advanced modeling of protein sequence and biophysical properties (such as structural, functional, and spatial information, amino acid conservation, physicochemical variation, residue mobility, and thermodynamic stability) performed at Invitae indicates that this missense variant is not expected to disrupt BICD2 protein function with a negative predictive value of 80%. In summary, the available evidence is currently insufficient to determine the role of this variant in disease. Therefore, it has been classified as a Variant of Uncertain Significance.

Ambry Genetics
Classification: Likely benign for Inborn genetic diseases. Last evaluated: 2023-07-12. Review status: criteria provided, single submitter. Criteria: Ambry Variant Classification Scheme 2023. Collection method: clinical testing. Allele origin: germline.